The following is an entry in ClinVar:

ClinVar aggregate classification (germline): Benign. Review status: criteria provided, multiple submitters, no conflicts (2 of 4 stars). 12 submissions from 10 submitters: Benign (11). 1 of the submissions does not count toward it. Last evaluated 2026-06-19.

Conditions:
Usher syndrome type 1 (USH1). Also called: RETINITIS PIGMENTOSA AND CONGENITAL DEAFNESS. Identifiers: Orphanet 231169, Orphanet 886, MedGen C1568247, MONDO:0010168, OMIM 276900.
Usher syndrome type 1D (USH1D). Also called: USHER SYNDROME, TYPE ID. Identifiers: Orphanet 231169, Orphanet 886, MedGen C1832845, MONDO:0010984, OMIM 601067.
Autosomal recessive nonsyndromic hearing loss 12. Also called: DEAFNESS, AUTOSOMAL RECESSIVE 12. Identifiers: Orphanet 90636, MedGen C1832394, MONDO:0011067, OMIM 601386.

Allele frequency attached by ClinVar (database versions not stated): ESP Exome Variant Server 0.12902; 1000 Genomes Project 30x 0.18098; 1000 Genomes Project 0.18351; ExAC 0.19148; TOPMed 0.15338; gnomAD 0.15070 and 0.14568; gnomAD exomes 0.19943 and 0.17351.
gnomAD v4.1: 276,165 of 1,610,694 alleles (17%); highest among the groups gnomAD compares: East Asian, 31%; 25,508 homozygotes.

Submissions (12):

Women's Health and Genetics/Laboratory Corporation of America, LabCorp
Classification: Benign. Last evaluated: 2026-06-19. Review status: criteria provided, single submitter. Criteria: LabCorp Variant Classification Summary - May 2015. Collection method: clinical testing. Allele origin: germline.

Labcorp Genetics (formerly Invitae), Labcorp
Classification: Benign. Last evaluated: 2026-02-04. Review status: criteria provided, single submitter. Criteria: Invitae Variant Classification Sherloc (09022015). Collection method: clinical testing. Allele origin: germline.

Genome-Nilou Lab
Classification: Benign for Usher syndrome type 1D. Last evaluated: 2021-07-01. Review status: criteria provided, single submitter. Criteria: ACMG Guidelines, 2015. Collection method: clinical testing. Allele origin: germline. Affected: no.

Genome-Nilou Lab
Classification: Benign for Autosomal recessive nonsyndromic hearing loss 12. Last evaluated: 2021-07-01. Review status: criteria provided, single submitter. Criteria: ACMG Guidelines, 2015. Collection method: clinical testing. Allele origin: germline. Affected: no.

Mayo Clinic Laboratories, Mayo Clinic
Classification: Benign. Last evaluated: 2019-06-24. Review status: criteria provided, single submitter. Criteria: ACMG Guidelines, 2015. Collection method: clinical testing. Allele origin: germline. Observed: 48 variant alleles.

Illumina Laboratory Services, Illumina
Classification: Benign for Usher syndrome type 1D. Last evaluated: 2018-01-13. Review status: criteria provided, single submitter. Criteria: ICSL Variant Classification Criteria 13 December 2019. Collection method: clinical testing. Allele origin: germline.
Comment: This variant was observed in the ICSL laboratory as part of a predisposition screen in an ostensibly healthy population. It had not been previously curated by ICSL or reported in the Human Gene Mutation Database (HGMD: prior to June 1st, 2018), and was therefore a candidate for classification through an automated scoring system. Utilizing variant allele frequency, disease prevalence and penetrance estimates, and inheritance mode, an automated score was calculated to assess if this variant is too frequent to cause the disease. Based on the score and internal cut-off values, a variant classified as benign is not then subjected to further curation. The score for this variant resulted in a classification of benign for this disease.

Illumina Laboratory Services, Illumina
Classification: Benign for Autosomal recessive nonsyndromic hearing loss 12. Last evaluated: 2018-01-13. Review status: criteria provided, single submitter. Criteria: ICSL Variant Classification Criteria 13 December 2019. Collection method: clinical testing. Allele origin: germline.
Comment: the same text as in the submission from Illumina Laboratory Services, Illumina above.

GeneDx
Classification: Benign. Last evaluated: 2015-03-03. Review status: criteria provided, single submitter. Criteria: GeneDx Variant Classification Process June 2021. Collection method: clinical testing. Allele origin: germline. Affected: yes.

Laboratory for Molecular Medicine, Mass General Brigham Personalized Medicine
Classification: Benign. Last evaluated: 2009-06-12. Review status: criteria provided, single submitter. Criteria: LMM Criteria. Collection method: clinical testing. Allele origin: germline. Observed: 649 variant alleles.

Breakthrough Genomics
Classification: Benign. Review status: criteria provided, single submitter. Criteria: ACMG Guidelines, 2015. Collection method: not provided. Allele origin: germline. Inheritance: Autosomal recessive inheritance. Affected: yes.

PreventionGenetics, part of Exact Sciences
Classification: Benign. Review status: criteria provided, single submitter. Criteria: ACMG Guidelines, 2015. Collection method: clinical testing. Allele origin: germline.

Natera, Inc.
Classification: Benign for Usher syndrome type 1. Last evaluated: 2020-09-16. Review status: no assertion criteria provided. Collection method: clinical testing. Allele origin: germline. Not counted in ClinVar's aggregate classification.

NM_022124.6(CDH23):c.5503-10A>G

Gene: CDH23 (cadherin related 23; plus strand). Cytogenetic location: 10q22.1.
Variant type: single nucleotide variant.
Coding change: c.5503-10A>G on transcript NM_022124.6 (MANE Select); 10 bases into the intron before coding-DNA position 5503, A replaced by G.
Molecular consequence: intron variant.
Genome position (GRCh38, 1-based): chr10:71,784,881, A>G. VCF-style: chr10-71784881-A-G. GRCh37 (hg19) VCF-style: chr10-73544638-A-G.
Other names: p.?.
Identifiers: ClinVar variation 45982 (VCV000045982.27), dbSNP rs2394839, ClinGen allele CA137493.